The following is an entry in ClinVar:

NM_017849.4(TMEM127):c.7G>T (p.Ala3Ser)

Genes: TMEM127 (transmembrane protein 127; minus strand), LOC129934333 (ATAC-STARR-seq lymphoblastoid silent region 11759; plus strand). Cytogenetic location: 2q11.2.
Variant type: single nucleotide variant.
Coding change: c.7G>T on transcript NM_017849.4 (MANE Select); coding-DNA position 7, G replaced by T.
Protein change: p.Ala3Ser; replaces alanine 3 with serine.
Molecular consequence: missense variant. On other transcripts: intron variant (1).
Genome position (GRCh38, 1-based): chr2:96,265,375, C>A on the plus strand (G>T on the coding strand, the complement: TMEM127 is on the minus strand). VCF-style: chr2-96265375-C-A. GRCh37 (hg19) VCF-style: chr2-96931113-C-A.
Other names: c.7G>T, p.Ala3Ser (NM_001193304.3); c.-9+494G>T (NM_001407283.1); short protein forms A3S.
Identifiers: ClinVar variation 3326712 (VCV003326712.1).

ClinVar aggregate classification (germline): Uncertain significance (1 of 4 stars; one submission).

Conditions:
Hereditary cancer-predisposing syndrome. Also called: Neoplastic Syndromes, Hereditary; Tumor predisposition; Hereditary neoplastic syndrome; Hereditary Cancer Syndrome. Identifiers: Orphanet 140162, MedGen C0027672, MeSH D009386, MONDO:0015356.

Submission:

Ambry Genetics
Classification: Uncertain significance for Hereditary cancer-predisposing syndrome. Last evaluated: 2024-06-14. Review status: criteria provided, single submitter. Criteria: Ambry Variant Classification Scheme 2023. Collection method: clinical testing. Allele origin: germline.
Comment: The p.A3S variant (also known as c.7G>T), located in coding exon 1 of the TMEM127 gene, results from a G to T substitution at nucleotide position 7. The alanine at codon 3 is replaced by serine, an amino acid with similar properties. This amino acid position is conserved. In addition, the in silico prediction for this alteration is inconclusive. Based on the available evidence, the clinical significance of this variant remains unclear.